The following is an entry in ClinVar:

ClinVar aggregate classification (germline): Uncertain significance (1 of 4 stars; one submission).

Conditions:
Inborn genetic diseases. Identifiers: MedGen C0950123, MeSH D030342.

gnomAD v4.1: 8 of 1,613,158 alleles (0.0005%); highest among the groups gnomAD compares: Non-Finnish European, 0.00051%; no homozygotes.

Submission:

Ambry Genetics
Classification: Uncertain significance for Inborn genetic diseases. Last evaluated: 2024-12-22. Review status: criteria provided, single submitter. Criteria: Ambry Variant Classification Scheme 2023. Collection method: clinical testing. Allele origin: germline.
Comment: The p.R282Q variant (also known as c.845G>A), located in coding exon 5 of the ETV6 gene, results from a G to A substitution at nucleotide position 845. The arginine at codon 282 is replaced by glutamine, an amino acid with highly similar properties. This amino acid position is conserved. In addition, this alteration is predicted to be tolerated by in silico analysis. Based on the available evidence, the clinical significance of this variant remains unclear.

NM_001987.5(ETV6):c.845G>A (p.Arg282Gln)

Gene: ETV6 (ETS variant transcription factor 6; plus strand). Cytogenetic location: 12p13.2.
Variant type: single nucleotide variant.
Coding change: c.845G>A on transcript NM_001987.5 (MANE Select); coding-DNA position 845, G replaced by A.
Protein change: p.Arg282Gln; replaces arginine 282 with glutamine.
Molecular consequence: missense variant.
Genome position (GRCh38, 1-based): chr12:11,869,805, G>A. VCF-style: chr12-11869805-G-A. GRCh37 (hg19) VCF-style: chr12-12022739-G-A.
Other names: c.842G>A, p.Arg281Gln (NM_001413913.1); c.818G>A, p.Arg273Gln (NM_001413914.1); c.581G>A, p.Arg194Gln (NM_001413915.1); c.845G>A, p.Arg282Gln (NM_001413916.1, NM_001413917.1); short protein forms R282Q, R281Q, R194Q, R273Q.
Identifiers: ClinVar variation 3846489 (VCV003846489.1).